The following is an entry in ClinVar:

NM_022455.5(NSD1):c.653G>T (p.Arg218Ile)

Gene: NSD1 (nuclear receptor binding SET domain protein 1; plus strand). Cytogenetic location: 5q35.3.
Variant type: single nucleotide variant.
Coding change: c.653G>T on transcript NM_022455.5 (MANE Select); coding-DNA position 653, G replaced by T.
Protein change: p.Arg218Ile; replaces arginine 218 with isoleucine.
Molecular consequence: missense variant. On other transcripts: intron variant (8).
Genome position (GRCh38, 1-based): chr5:177,135,756, G>T. VCF-style: chr5-177135756-G-T. GRCh37 (hg19) VCF-style: chr5-176562757-G-T.
Other names: c.653G>T, p.Arg218Ile (NM_001409301.1, NM_001409302.1, NM_001409303.1); c.418-185G>T (NM_001409304.1); c.-36-185G>T (NM_001409305.1, NM_001409306.1, NM_001409308.1 and 4 more transcripts); short protein forms R218I.
Identifiers: ClinVar variation 1308477 (VCV001308477.13), dbSNP rs1240149522, ClinGen allele CA362295012.

ClinVar aggregate classification (germline): Uncertain significance. Review status: criteria provided, multiple submitters, no conflicts (2 of 4 stars). 5 submissions from 5 submitters: Uncertain significance (4). 1 of the submissions does not count toward it. Last evaluated 2025-02-22.

Conditions:
Sotos syndrome (SOTOS). Also called: CHROMOSOME 5q35 DELETION SYNDROME; SOTOS SYNDROME 1; Distinctive facial appearance, overgrowth in childhood, and learning disabilities or delayed development; CEREBRAL GIGANTISM; Sotos' syndrome. Identifiers: Orphanet 821, MedGen C0175695, MONDO:0019349, OMIM 117550.
Inborn genetic diseases. Identifiers: MedGen C0950123, MeSH D030342.
NSD1-related disorder. Also called: NSD1-related condition.

Allele frequency attached by ClinVar (database versions not stated): gnomAD exomes below 0.00001; gnomAD 0.00001; TOPMed 0.00001.
gnomAD v4.1: 2 of 1,613,932 alleles (0.00012%); highest among the groups gnomAD compares: Admixed American, 0.0017%; no homozygotes.

Submissions (5):

Ambry Genetics
Classification: Uncertain significance for Inborn genetic diseases. Last evaluated: 2025-02-22. Review status: criteria provided, single submitter. Criteria: Ambry Variant Classification Scheme 2023. Collection method: clinical testing. Allele origin: germline.

Fulgent Genetics
Classification: Uncertain significance for Sotos syndrome. Last evaluated: 2022-04-24. Review status: criteria provided, single submitter. Criteria: ACMG Guidelines, 2015. Collection method: clinical testing. Allele origin: unknown.

Labcorp Genetics (formerly Invitae), Labcorp
Classification: Uncertain significance. Last evaluated: 2021-01-11. Review status: criteria provided, single submitter. Criteria: Invitae Variant Classification Sherloc (09022015). Collection method: clinical testing. Allele origin: germline.
Comment: Advanced modeling of protein sequence and biophysical properties (such as structural, functional, and spatial information, amino acid conservation, physicochemical variation, residue mobility, and thermodynamic stability) performed at Invitae indicates that this missense variant is not expected to disrupt NSD1 protein function. This sequence change replaces arginine with isoleucine at codon 218 of the NSD1 protein (p.Arg218Ile). The arginine residue is weakly conserved and there is a moderate physicochemical difference between arginine and isoleucine. This variant is not present in population databases (ExAC no frequency). This variant has not been reported in the literature in individuals with NSD1-related conditions. In summary, the available evidence is currently insufficient to determine the role of this variant in disease. Therefore, it has been classified as a Variant of Uncertain Significance.

GeneDx
Classification: Uncertain significance. Last evaluated: 2019-04-03. Review status: criteria provided, single submitter. Criteria: GeneDx Variant Classification Process June 2021. Collection method: clinical testing. Allele origin: germline. Affected: yes.
Comment: In silico analysis, which includes protein predictors and evolutionary conservation, supports that this variant does not alter protein structure/function; Has not been previously published as pathogenic or benign to our knowledge

PreventionGenetics, part of Exact Sciences
Classification: Uncertain significance for NSD1-related condition. Last evaluated: 2024-05-14. Review status: no assertion criteria provided. Collection method: clinical testing. Allele origin: germline. Not counted in ClinVar's aggregate classification.
Comment: The NSD1 c.653G>T variant is predicted to result in the amino acid substitution p.Arg218Ile. To our knowledge, this variant has not been reported in the literature. This variant is reported in 0.0029% of alleles in individuals of Latino descent in gnomAD. At this time, the clinical significance of this variant is uncertain due to the absence of conclusive functional and genetic evidence.